The following is an entry in ClinVar:

ClinVar aggregate classification (germline): Conflicting classifications of pathogenicity. Review status: criteria provided, conflicting classifications (1 of 4 stars). 2 submissions from 2 submitters: Uncertain significance (1); Likely benign (1). Last evaluated 2025-09-02.

Allele frequency attached by ClinVar (database versions not stated): gnomAD exomes 0.00001; gnomAD 0.00002; TOPMed 0.00002.

Submissions (2):

Labcorp Genetics (formerly Invitae), Labcorp
Classification: Uncertain significance. Last evaluated: 2025-09-02. Review status: criteria provided, single submitter. Criteria: Invitae Variant Classification Sherloc (09022015). Collection method: clinical testing. Allele origin: germline.
Comment: This sequence change replaces phenylalanine, which is neutral and non-polar, with serine, which is neutral and polar, at codon 195 of the DTHD1 protein (p.Phe195Ser). This variant is present in population databases (no rsID available, gnomAD 0.004%). This variant has not been reported in the literature in individuals affected with DTHD1-related conditions. ClinVar contains an entry for this variant (Variation ID: 1054644). An algorithm developed to predict the effect of missense changes on protein structure and function outputs the following: PolyPhen-2: "Benign". The serine amino acid residue is found in multiple mammalian species, which suggests that this missense change does not adversely affect protein function. In summary, the available evidence is currently insufficient to determine the role of this variant in disease. Therefore, it has been classified as a Variant of Uncertain Significance.

Ambry Genetics
Classification: Likely benign. Last evaluated: 2023-12-14. Review status: criteria provided, single submitter. Criteria: Ambry Variant Classification Scheme 2023. Collection method: clinical testing. Allele origin: germline.

NM_001170700.3(DTHD1):c.1454T>C (p.Phe485Ser)

Gene: DTHD1 (death domain containing 1; plus strand). Cytogenetic location: 4p14.
Variant type: single nucleotide variant.
Coding change: c.1454T>C on transcript NM_001170700.3 (MANE Select); coding-DNA position 1454, T replaced by C.
Protein change: p.Phe485Ser; replaces phenylalanine 485 with serine.
Molecular consequence: missense variant. On other transcripts: non-coding transcript variant (2).
Genome position (GRCh38, 1-based): chr4:36,294,850, T>C. VCF-style: chr4-36294850-T-C. GRCh37 (hg19) VCF-style: chr4-36296472-T-C.
Other names: c.584T>C, p.Phe195Ser (NM_001136536.5); c.521T>C, p.Phe174Ser (NM_001378435.1); c.1079T>C (NM_001170700.1); short protein forms F174S, F195S, F485S.
Identifiers: ClinVar variation 1054644 (VCV001054644.8), dbSNP rs1428896067, ClinGen allele CA356679842.
Genomic context (GRCh38, chr4:36,294,850, plus strand): 5'-TTTAGATCCAACCAGTTGACCCAGCTCTGGTGGCACATTTAAAAGCACAGCAAGATACTT[T>C]CTACTCAGTCCAATCCACAAGCCCTCTGATTCACATTCAGCACCCATCAACTTATCCTTT-3'
Protein context (NP_001164171.2, residues 475-495): VAHLKAQQDT[Phe485Ser]YSVQSTSPLI